The following is an entry in ClinVar:

NM_001270.4(CHD1):c.5026A>G (p.Arg1676Gly)

Gene: CHD1 (chromodomain helicase DNA binding protein 1; minus strand). Cytogenetic location: 5q15.
Variant type: single nucleotide variant.
Coding change: c.5026A>G on transcript NM_001270.4 (MANE Select); coding-DNA position 5026, A replaced by G.
Protein change: p.Arg1676Gly; replaces arginine 1676 with glycine.
Molecular consequence: missense variant. On other transcripts: non-coding transcript variant (2).
Genome position (GRCh38, 1-based): chr5:98,856,487, T>C on the plus strand (A>G on the coding strand, the complement: CHD1 is on the minus strand). VCF-style: chr5-98856487-T-C. GRCh37 (hg19) VCF-style: chr5-98192191-T-C.
Other names: c.5290A>G, p.Arg1764Gly (NM_001364113.3); c.5026A>G, p.Arg1676Gly (NM_001376194.2); short protein forms R1676G, R1764G.
Identifiers: ClinVar variation 2306987 (VCV002306987.3), dbSNP rs2479317043, ClinGen allele CA360514505.

ClinVar aggregate classification (germline): Uncertain significance. Review status: criteria provided, multiple submitters, no conflicts (2 of 4 stars). 2 submissions from 2 submitters: Uncertain significance (2). Last evaluated 2025-01-29.

Allele frequency attached by ClinVar (database versions not stated): gnomAD exomes below 0.00001.
gnomAD v4.1: 5 of 1,613,756 alleles (0.00031%); highest among the groups gnomAD compares: Non-Finnish European, 0.00017%; no homozygotes.

Submissions (2):

GeneDx
Classification: Uncertain significance. Last evaluated: 2025-01-29. Review status: criteria provided, single submitter. Criteria: GeneDx Variant Classification Process June 2021. Collection method: clinical testing. Allele origin: germline. Affected: yes.
Comment: Not observed at significant frequency in large population cohorts (gnomAD); In silico analysis indicates that this missense variant does not alter protein structure/function; Has not been previously published as pathogenic or benign to our knowledge

Ambry Genetics
Classification: Uncertain significance. Last evaluated: 2022-08-12. Review status: criteria provided, single submitter. Criteria: Ambry Variant Classification Scheme 2023. Collection method: clinical testing. Allele origin: germline.